The following is an entry in ClinVar:

NM_005909.5(MAP1B):c.5828T>C (p.Ile1943Thr)

Gene: MAP1B (microtubule associated protein 1B; plus strand). Cytogenetic location: 5q13.2.
Variant type: single nucleotide variant.
Coding change: c.5828T>C on transcript NM_005909.5 (MANE Select); coding-DNA position 5828, T replaced by C.
Protein change: p.Ile1943Thr; replaces isoleucine 1943 with threonine.
Molecular consequence: missense variant.
Genome position (GRCh38, 1-based): chr5:72,199,183, T>C. VCF-style: chr5-72199183-T-C. GRCh37 (hg19) VCF-style: chr5-71495010-T-C.
Other names: c.5450T>C, p.Ile1817Thr (NM_001324255.2); short protein forms I1817T, I1943T.
Identifiers: ClinVar variation 2655521 (VCV002655521.24), dbSNP rs1747262499, ClinGen allele CA360019928.

ClinVar aggregate classification (germline): Uncertain significance (1 of 4 stars; one submission).

Allele frequency attached by ClinVar (database versions not stated): gnomAD exomes 0.00002.
gnomAD v4.1: 20 of 1,614,070 alleles (0.0012%); highest among the groups gnomAD compares: Non-Finnish European, 0.0015%; no homozygotes.

Submission:

CeGaT Center for Human Genetics Tuebingen
Classification: Uncertain significance. Last evaluated: 2023-03-01. Review status: criteria provided, single submitter. Criteria: CeGaT Center For Human Genetics Tuebingen Variant Classification Criteria Version 2. Collection method: clinical testing. Allele origin: germline. Affected: yes. Observed: 1 variant allele.
Comment: MAP1B: PM2, BP4